The following is an entry in ClinVar:

ClinVar aggregate classification (germline): Uncertain significance (1 of 4 stars; one submission).

Allele frequency attached by ClinVar (database versions not stated): ESP Exome Variant Server 0.00008; gnomAD 0.00012 and 0.00013.
gnomAD v4.1: 256 of 1,613,752 alleles (0.016%); highest among the groups gnomAD compares: Middle Eastern, 0.066%; 1 homozygote.

Submission:

Labcorp Genetics (formerly Invitae), Labcorp
Classification: Uncertain significance. Last evaluated: 2024-08-13. Review status: criteria provided, single submitter. Criteria: Invitae Variant Classification Sherloc (09022015). Collection method: clinical testing. Allele origin: germline.
Comment: This sequence change replaces valine, which is neutral and non-polar, with leucine, which is neutral and non-polar, at codon 249 of the CTSB protein (p.Val249Leu). This variant is present in population databases (rs138438915, gnomAD 0.02%). This variant has not been reported in the literature in individuals affected with CTSB-related conditions. This missense change has been observed in at least one individual who was not affected with CTSB-related conditions (Invitae). ClinVar contains an entry for this variant (Variation ID: 1368976). An algorithm developed to predict the effect of missense changes on protein structure and function (PolyPhen-2) suggests that this variant is likely to be disruptive. In summary, the available evidence is currently insufficient to determine the role of this variant in disease. Therefore, it has been classified as a Variant of Uncertain Significance.

NM_001908.5(CTSB):c.745G>T (p.Val249Leu)

Gene: CTSB (cathepsin B). Cytogenetic location: 8p23.1.
Variant type: single nucleotide variant.
Coding change: c.745G>T on transcript NM_001908.5 (MANE Select); coding-DNA position 745, G replaced by T.
Protein change: p.Val249Leu; replaces valine 249 with leucine.
Molecular consequence: missense variant.
Genome position (GRCh38, 1-based): chr8:11,847,100, C>A on the plus strand (G>T on the coding strand, the complement: CTSB is on the minus strand). VCF-style: chr8-11847100-C-A. GRCh37 (hg19) VCF-style: chr8-11704609-C-A.
Other names: c.373G>T, p.Val125Leu (NM_001317237.2); c.745G>T, p.Val249Leu (NM_001384714.1, NM_001384723.1, NM_001384724.1 and 8 more transcripts); short protein forms V249L, V125L.
Identifiers: ClinVar variation 1368976 (VCV001368976.6), dbSNP rs138438915, ClinGen allele CA4632553.